The following is an entry in ClinVar:

NM_001267550.2(TTN):c.4894G>A (p.Ala1632Thr)

Genes: TTN (titin; minus strand), LOC101927055 (uncharacterized LOC101927055; plus strand). Cytogenetic location: 2q31.2.
Variant type: single nucleotide variant.
Coding change: c.4894G>A on transcript NM_001267550.2 (MANE Select); coding-DNA position 4894, G replaced by A.
Protein change: p.Ala1632Thr; replaces alanine 1632 with threonine.
Molecular consequence: missense variant. On other transcripts: non-coding transcript variant (1).
Genome position (GRCh38, 1-based): chr2:178,776,970, C>T on the plus strand (G>A on the coding strand, the complement: TTN is on the minus strand). VCF-style: chr2-178776970-C-T. GRCh37 (hg19) VCF-style: chr2-179641697-C-T.
Other names: c.4756G>A, p.Ala1586Thr (NM_003319.4, NM_133432.3, NM_133437.4); c.4894G>A, p.Ala1632Thr (NM_001256850.1, NM_133378.4, NM_133379.5); c.4894G>A (NM_133379.4); short protein forms A1586T, A1632T.
Identifiers: ClinVar variation 519023 (VCV000519023.6), dbSNP rs1250136125, ClinGen allele CA349459712.

ClinVar aggregate classification (germline): Conflicting classifications of pathogenicity. Review status: criteria provided, conflicting classifications (1 of 4 stars). 2 submissions from 2 submitters: Uncertain significance (1); Likely benign (1). Last evaluated 2025-04-09.

Conditions:
Cardiovascular phenotype. Identifiers: MedGen CN230736.

Allele frequency attached by ClinVar (database versions not stated): gnomAD exomes below 0.00001; TOPMed below 0.00001; gnomAD 0.00001.

Submissions (2):

Molecular Diagnostic Laboratory for Inherited Cardiovascular Disease, Montreal Heart Institute
Classification: Likely benign. Last evaluated: 2025-04-09. Review status: criteria provided, single submitter. Criteria: ACMG Guidelines, 2015. Collection method: clinical testing. Allele origin: germline. Affected: no.

Ambry Genetics
Classification: Uncertain significance for Cardiovascular phenotype. Last evaluated: 2017-08-24. Review status: criteria provided, single submitter. Criteria: Ambry Variant Classification Scheme 2023. Collection method: clinical testing. Allele origin: germline.
Comment: The p.A1586T variant (also known as c.4756G>A), located in coding exon 26 of the TTN gene, results from a G to A substitution at nucleotide position 4756. The alanine at codon 1586 is replaced by threonine, an amino acid with similar properties. This amino acid position is highly conserved in available vertebrate species. In addition, the in silico prediction for this alteration is inconclusive. Since supporting evidence is limited at this time, the clinical significance of this alteration remains unclear.